The following is an entry in ClinVar:

ClinVar aggregate classification (germline): Uncertain significance (1 of 4 stars; one submission).

Conditions:
Congenital disorder of glycosylation, type Ii. Also called: CDG Ii; ALG2-CDG; ALG2-congenital disorder of glycosylation. Identifiers: Orphanet 79326, MedGen C1842836, MONDO:0011933, OMIM 607906.
Congenital myasthenic syndrome 14. Also called: Myasthenic syndrome, congenital, 14, with tubular aggregates. Identifiers: Orphanet 353327, Orphanet 590, MedGen C4015597, MONDO:0014543, OMIM 616228.

Submission:

Labcorp Genetics (formerly Invitae), Labcorp
Classification: Uncertain significance for Congenital disorder of glycosylation, type Ii; Congenital myasthenic syndrome 14. Last evaluated: 2023-07-10. Review status: criteria provided, single submitter. Criteria: Invitae Variant Classification Sherloc (09022015). Collection method: clinical testing. Allele origin: germline.
Comment: This variant is not present in population databases (gnomAD no frequency). This sequence change replaces cysteine, which is neutral and slightly polar, with arginine, which is basic and polar, at codon 317 of the ALG2 protein (p.Cys317Arg). This variant has not been reported in the literature in individuals affected with ALG2-related conditions. In summary, the available evidence is currently insufficient to determine the role of this variant in disease. Therefore, it has been classified as a Variant of Uncertain Significance. An algorithm developed to predict the effect of missense changes on protein structure and function (PolyPhen-2) suggests that this variant is likely to be disruptive. ClinVar contains an entry for this variant (Variation ID: 2007004).

NM_033087.4(ALG2):c.949T>C (p.Cys317Arg)

Gene: ALG2 (ALG2 alpha-1,3/1,6-mannosyltransferase; minus strand). Cytogenetic location: 9q22.33.
Variant type: single nucleotide variant.
Coding change: c.949T>C on transcript NM_033087.4 (MANE Select); coding-DNA position 949, T replaced by C.
Protein change: p.Cys317Arg; replaces cysteine 317 with arginine.
Molecular consequence: missense variant. On other transcripts: non-coding transcript variant (1).
Genome position (GRCh38, 1-based): chr9:99,218,236, A>G on the plus strand (T>C on the coding strand, the complement: ALG2 is on the minus strand). VCF-style: chr9-99218236-A-G. GRCh37 (hg19) VCF-style: chr9-101980518-A-G.
Other names: short protein forms C317R.
Identifiers: ClinVar variation 2007004 (VCV002007004.4), dbSNP rs2490382510, ClinGen allele CA374226815.